The following is an entry in ClinVar:

NM_000548.5(TSC2):c.3884-10_3884-5dup

Gene: TSC2 (TSC complex subunit 2; plus strand). Cytogenetic location: 16p13.3.
Variant type: Duplication.
Coding change: c.3884-10_3884-5dup on transcript NM_000548.5 (MANE Select); 10 bases into the intron before coding-DNA position 3884 through 5 bases into the intron before coding-DNA position 3884, 6 bases duplicated (GTCCTC; older notation c.3884-10_3884-5dupGTCCTC).
Molecular consequence: intron variant.
Genome position (GRCh38, 1-based): chr16:2,083,685-2,083,690, GTCCTC duplicated. VCF-style (leftmost placement, unchanged base first): chr16-2083684-T-TGTCCTC. GRCh37 (hg19) VCF-style: chr16-2133685-T-TGTCCTC.
Other names: c.2342-10_2342-5dup (NM_001406693.1, NM_001406692.1, NM_001406694.1); c.3776-10_3776-5dup (NM_001406667.1); c.3773-10_3773-5dup (NM_001406668.1); c.3284-10_3284-5dup (NM_001406680.1); c.3215-10_3215-5dup (NM_001406683.1, NM_001406682.1); c.3083-10_3083-5dup (NM_001406687.1, NM_001406688.1); c.2471-10_2471-5dup (NM_001406689.1); c.2411-10_2411-5dup (NM_001406690.1); and 26 more.
Identifiers: ClinVar variation 4071130 (VCV004071130.1).

ClinVar aggregate classification (germline): Likely benign (1 of 4 stars; one submission).

Conditions:
Tuberous sclerosis 2 (TSC2). Identifiers: Orphanet 805, MedGen C1860707, MONDO:0013199, OMIM 613254.

Submission:

Myriad Genetics, Inc.
Classification: Likely benign for Tuberous sclerosis 2. Last evaluated: 2025-06-02. Review status: criteria provided, single submitter. Criteria: Myriad Autosomal Dominant, Autosomal Recessive and X-Linked Classification Criteria (2023). Collection method: clinical testing. Allele origin: unknown.
Comment: This variant is considered likely benign. This variant is intronic and is not expected to impact mRNA splicing.